The following is an entry in ClinVar:

ClinVar aggregate classification (germline): Uncertain significance (1 of 4 stars; one submission).

Allele frequency attached by ClinVar (database versions not stated): ExAC 0.00001; gnomAD 0.00001; gnomAD exomes below 0.00001; TOPMed 0.00002; ESP Exome Variant Server 0.00008.
gnomAD v4.1: 4 of 1,614,016 alleles (0.00025%); highest among the groups gnomAD compares: African/African-American, 0.0053%; no homozygotes.

Submission:

GeneDx
Classification: Uncertain significance. Last evaluated: 2017-06-22. Review status: criteria provided, single submitter. Criteria: GeneDx Variant Classification (06012015). Collection method: clinical testing. Allele origin: germline. Affected: yes.
Comment: A variant of uncertain significance has been identified in the RAB3GAP2 gene. The S1266N variant has not been published as a pathogenic variant, nor has it been reported as a benign variant to our knowledge. The S1266N variant is not observed at a significant frequency in large population cohorts (Lek et al., 2016; 1000 Genomes Consortium et al., 2015; Exome Variant Server). The S1266N variant is a conservative amino acid substitution, which is not likely to impact secondary protein structure as these residues share similar properties. This substitution occurs at a position where amino acids with similar properties to Serine are tolerated across species. Furthermore, in silico analysis predicts this variant likely does not alter the protein structure/function. Based on the currently available information, it is unclear whether this variant is a pathogenic variant or a rare benign variant.

NM_012414.4(RAB3GAP2):c.3797G>A (p.Ser1266Asn)

Gene: RAB3GAP2 (RAB3 GTPase activating non-catalytic protein subunit 2; minus strand). Cytogenetic location: 1q41.
Variant type: single nucleotide variant.
Coding change: c.3797G>A on transcript NM_012414.4 (MANE Select); coding-DNA position 3797, G replaced by A.
Protein change: p.Ser1266Asn; replaces serine 1266 with asparagine.
Molecular consequence: missense variant.
Genome position (GRCh38, 1-based): chr1:220,153,255, C>T on the plus strand (G>A on the coding strand, the complement: RAB3GAP2 is on the minus strand). VCF-style: chr1-220153255-C-T. GRCh37 (hg19) VCF-style: chr1-220326597-C-T.
Other names: short protein forms S1266N.
Identifiers: ClinVar variation 432964 (VCV000432964.2), dbSNP rs373515509, ClinGen allele CA1402043.